The following is an entry in ClinVar:

ClinVar aggregate classification (germline): Conflicting classifications of pathogenicity. Review status: criteria provided, conflicting classifications (1 of 4 stars). 11 submissions from 11 submitters: Uncertain significance (1); Likely benign (9). 1 of the submissions does not count toward it. Last evaluated 2026-05-13.

Conditions:
NF1-related disorder. Also called: NF1-related condition. Identifiers: MedGen CN379171.
Hereditary cancer-predisposing syndrome. Also called: Neoplastic Syndromes, Hereditary; Hereditary Cancer Syndrome; Tumor predisposition; Hereditary neoplastic syndrome. Identifiers: Orphanet 140162, MedGen C0027672, MeSH D009386, MONDO:0015356.
Neurofibromatosis, type 1 (NF1). Also called: VON RECKLINGHAUSEN DISEASE; NEUROFIBROMATOSIS, TYPE I, SOMATIC; Peripheral type neurofibromatosis; Neurofibromatosis, type I. Identifiers: Orphanet 636, MedGen C0027831, MONDO:0018975, OMIM 162200. Disease mechanism: loss of function.

Allele frequency attached by ClinVar (database versions not stated): ExAC 0.00001; gnomAD exomes 0.00001 and 0.00002; 1000 Genomes Project 30x 0.00016; 1000 Genomes Project 0.00020; gnomAD 0.00021; TOPMed 0.00049.
gnomAD v4.1: 69 of 1,609,432 alleles (0.0043%); highest among the groups gnomAD compares: Admixed American, 0.065%; no homozygotes.

Submissions (11):

Myriad Genetics, Inc.
Classification: Likely benign for Neurofibromatosis, type 1. Last evaluated: 2026-05-13. Review status: criteria provided, single submitter. Criteria: Myriad Autosomal Dominant, Autosomal Recessive and X-Linked Classification Criteria (2023). Collection method: clinical testing. Allele origin: unknown.
Comment: This variant is considered likely benign. This variant is intronic and is not expected to impact mRNA splicing.

Labcorp Genetics (formerly Invitae), Labcorp
Classification: Likely benign for Neurofibromatosis, type 1. Last evaluated: 2026-02-03. Review status: criteria provided, single submitter. Criteria: Invitae Variant Classification Sherloc (09022015). Collection method: clinical testing. Allele origin: germline.

Institute for Biomarker Research, Medical Diagnostic Laboratories, L.L.C.
Classification: Likely benign for Hereditary cancer-predisposing syndrome. Last evaluated: 2025-10-27. Review status: criteria provided, single submitter. Criteria: ACMG Guidelines, 2015. Collection method: clinical testing. Allele origin: germline.
Comment: The intron variant NM_000267.3(NF1):c.5206-9A>G has not been reported previously as a pathogenic variant, to our knowledge. Accession: VCV000215717.21. The variant is observed in one or more well-documented healthy adults. The c.5206-9A>G variant is not predicted to disrupt the existing acceptor splice site 7bp upstream by any splice site algorithm. The c.5206-9A>G variant results in a substitution of a base that is not predicted conserved by GERP++ and PhyloP. For these reasons, this variant has been classified as Likely Benign.

Quest Diagnostics Nichols Institute San Juan Capistrano
Classification: Likely benign. Last evaluated: 2025-04-21. Review status: criteria provided, single submitter. Criteria: Quest Diagnostics criteria. Collection method: clinical testing. Allele origin: unknown.

Women's Health and Genetics/Laboratory Corporation of America, LabCorp
Classification: Likely benign. Last evaluated: 2025-01-09. Review status: criteria provided, single submitter. Criteria: LabCorp Variant Classification Summary - May 2015. Collection method: clinical testing. Allele origin: germline.
Comment: Variant summary: NF1 c.5206-9A>G alters a nucleotide located at a position not widely known to affect splicing. Consensus agreement among computation tools predict no significant impact on normal splicing. However, these predictions have yet to be confirmed by functional studies. The variant allele was found at a frequency of 2.4e-05 in 248786 control chromosomes. The available data on variant occurrences in the general population are insufficient to allow any conclusion about variant significance. To our knowledge, no occurrence of c.5206-9A>G in individuals affected with Neurofibromatosis Type 1 and no experimental evidence demonstrating its impact on protein function have been reported. ClinVar contains an entry for this variant (Variation ID: 215717). Based on the evidence outlined above, the variant was classified as likely benign.

ARUP Laboratories, Molecular Genetics and Genomics, ARUP Laboratories
Classification: Likely benign. Last evaluated: 2023-01-06. Review status: criteria provided, single submitter. Criteria: ARUP Molecular Germline Variant Investigation Process 2024. Collection method: clinical testing. Allele origin: germline.

Blueprint Genetics
Classification: Likely benign. Last evaluated: 2022-07-14. Review status: criteria provided, single submitter. Criteria: ACMG Guidelines, 2015. Collection method: clinical testing. Allele origin: germline.

Sema4
Classification: Uncertain significance for Hereditary cancer-predisposing syndrome. Last evaluated: 2022-03-06. Review status: criteria provided, single submitter. Criteria: Sema4 Curation Guidelines. Collection method: curation. Allele origin: germline.
Comment: The NF1 c.5206-9A>G variant has not been reported in the literature to our knowledge. It was observed in 8/280184 chromosomes across all populations in the large and broad cohorts of the Genome Aggregation Database (PMID: 32461654). The variant has been reported in ClinVar (Variation ID 215717). In silico tools suggest the variant may not have an impact on splicing, though these predictions have not been confirmed by functional studies. The evidence is insufficient to meet ACMG/AMP criteria for classifying the variant as benign or pathogenic. Thus, the clinical significance of this variant is currently uncertain.

GeneDx
Classification: Likely benign. Last evaluated: 2020-11-04. Review status: criteria provided, single submitter. Criteria: GeneDx Variant Classification Process June 2021. Collection method: clinical testing. Allele origin: germline. Affected: yes.

Genetic Services Laboratory, University of Chicago
Classification: Likely benign. Last evaluated: 2018-07-30. Review status: criteria provided, single submitter. Criteria: ACMG Guidelines, 2015. Collection method: clinical testing. Allele origin: germline. Affected: no.

PreventionGenetics, part of Exact Sciences
Classification: Likely benign for NF1-related condition. Last evaluated: 2019-07-29. Review status: no assertion criteria provided. Collection method: clinical testing. Allele origin: germline. Not counted in ClinVar's aggregate classification.
Comment: This variant is classified as likely benign based on ACMG/AMP sequence variant interpretation guidelines (Richards et al. 2015 PMID: 25741868, with internal and published modifications).

Literature cited by the submitters: PubMed 10678181 (cited by Women's Health and Genetics/Laboratory Corporation of America, LabCorp); PubMed 23460398 (cited by Women's Health and Genetics/Laboratory Corporation of America, LabCorp); PubMed 29872168 (cited by Women's Health and Genetics/Laboratory Corporation of America, LabCorp).

NM_001042492.3(NF1):c.5269-9A>G

Gene: NF1 (neurofibromin 1; plus strand). Cytogenetic location: 17q11.2.
Variant type: single nucleotide variant.
Coding change: c.5269-9A>G on transcript NM_001042492.3 (MANE Select); 9 bases into the intron before coding-DNA position 5269, A replaced by G.
Molecular consequence: intron variant.
Genome position (GRCh38, 1-based): chr17:31,327,490, A>G. VCF-style: chr17-31327490-A-G. GRCh37 (hg19) VCF-style: chr17-29654508-A-G.
Other names: c.5269-9A>G (NM_001042492.2); c.5206-9A>G (NM_000267.4).
Identifiers: ClinVar variation 215717 (VCV000215717.26), dbSNP rs544515671, ClinGen allele CA335731.
Genomic context (GRCh38, chr17:31,327,490, plus strand): 5'-AGCCTTTTAGAATTTTATGTAAAAGAGTTTAATTCTTCTCCACTTCACCCCGTCACCACC[A>G]CTTTCCAGGTTGGTTCTACTGCTGTCCAAGTAACTTCAGCAGAGCGAACAAAAGTCCTAG-3'